The following is an entry in ClinVar:

NM_001199397.3(NEK1):c.862A>G (p.Ile288Val)

Gene: NEK1 (NIMA related kinase 1; minus strand). Cytogenetic location: 4q33.
Variant type: single nucleotide variant.
Coding change: c.862A>G on transcript NM_001199397.3 (MANE Select); coding-DNA position 862, A replaced by G.
Protein change: p.Ile288Val; replaces isoleucine 288 with valine.
Molecular consequence: missense variant. On other transcripts: non-coding transcript variant (2).
Genome position (GRCh38, 1-based): chr4:169,580,848, T>C on the plus strand (A>G on the coding strand, the complement: NEK1 is on the minus strand). VCF-style: chr4-169580848-T-C. GRCh37 (hg19) VCF-style: chr4-170501999-T-C.
Other names: c.862A>G, p.Ile288Val (NM_001199398.3, NM_001199399.3, NM_001199400.3 and 11 more transcripts); c.241A>G, p.Ile81Val (NM_001440624.1, NM_001440625.1); short protein forms I288V, I81V.
Identifiers: ClinVar variation 4745330 (VCV004745330.1).

ClinVar aggregate classification (germline): Uncertain significance (1 of 4 stars; one submission).

Conditions:
Short-rib thoracic dysplasia 6 with or without polydactyly (SRTD6). Also called: Majewski Syndrome; SHORT RIB-POLYDACTYLY SYNDROME, TYPE IIA; SHORT-RIB THORACIC DYSPLASIA 6 WITH POLYDACTYLY; SHORT-RIB THORACIC DYSPLASIA 6 WITHOUT POLYDACTYLY; POLYDACTYLY WITH NEONATAL CHONDRODYSTROPHY, TYPE II. Identifiers: MedGen C0024507, MONDO:0009894, OMIM 263520.

gnomAD v4.1: 4 of 1,527,556 alleles (0.00026%); highest among the groups gnomAD compares: Non-Finnish European, 0.00035%; no homozygotes.

Submission:

Labcorp Genetics (formerly Invitae), Labcorp
Classification: Uncertain significance for Short-rib thoracic dysplasia 6 with or without polydactyly. Last evaluated: 2025-04-08. Review status: criteria provided, single submitter. Criteria: Invitae Variant Classification Sherloc (09022015). Collection method: clinical testing. Allele origin: germline.
Comment: This sequence change replaces isoleucine, which is neutral and non-polar, with valine, which is neutral and non-polar, at codon 288 of the NEK1 protein (p.Ile288Val). This variant is present in population databases (no rsID available, gnomAD 0.002%). This variant has not been reported in the literature in individuals affected with NEK1-related conditions. Invitae Evidence Modeling of protein sequence and biophysical properties (such as structural, functional, and spatial information, amino acid conservation, physicochemical variation, residue mobility, and thermodynamic stability) indicates that this missense variant is not expected to disrupt NEK1 protein function with a negative predictive value of 95%. In summary, the available evidence is currently insufficient to determine the role of this variant in disease. Therefore, it has been classified as a Variant of Uncertain Significance.